The following is an entry in ClinVar:

NM_019892.6(INPP5E):c.1172C>G (p.Ser391Cys)

Gene: INPP5E (inositol polyphosphate-5-phosphatase E; minus strand). Cytogenetic location: 9q34.3.
Variant type: single nucleotide variant.
Coding change: c.1172C>G on transcript NM_019892.6 (MANE Select); coding-DNA position 1172, C replaced by G.
Protein change: p.Ser391Cys; replaces serine 391 with cysteine.
Molecular consequence: missense variant.
Genome position (GRCh38, 1-based): chr9:136,433,063, G>C on the plus strand (C>G on the coding strand, the complement: INPP5E is on the minus strand). VCF-style: chr9-136433063-G-C. GRCh37 (hg19) VCF-style: chr9-139327515-G-C.
Other names: c.1172C>G, p.Ser391Cys (NM_001318502.2); short protein forms S391C.
Identifiers: ClinVar variation 2087316 (VCV002087316.4), dbSNP rs201481645, ClinGen allele CA375564078.

ClinVar aggregate classification (germline): Uncertain significance (1 of 4 stars; one submission).

Conditions:
Joubert syndrome. Also called: CEREBELLOPARENCHYMAL DISORDER IV; JOUBERT-BOLTSHAUSER SYNDROME; Familial aplasia of the vermis. Identifiers: Orphanet 475, MedGen C5979921, MONDO:0018772.

Submission:

Labcorp Genetics (formerly Invitae), Labcorp
Classification: Uncertain significance for Joubert syndrome. Last evaluated: 2024-01-19. Review status: criteria provided, single submitter. Criteria: Invitae Variant Classification Sherloc (09022015). Collection method: clinical testing. Allele origin: germline.
Comment: This sequence change replaces serine, which is neutral and polar, with cysteine, which is neutral and slightly polar, at codon 391 of the INPP5E protein (p.Ser391Cys). This variant is not present in population databases (gnomAD no frequency). This variant has not been reported in the literature in individuals affected with INPP5E-related conditions. ClinVar contains an entry for this variant (Variation ID: 2087316). Advanced modeling of protein sequence and biophysical properties (such as structural, functional, and spatial information, amino acid conservation, physicochemical variation, residue mobility, and thermodynamic stability) has been performed at Invitae for this missense variant, however the output from this modeling did not meet the statistical confidence thresholds required to predict the impact of this variant on INPP5E protein function. In summary, the available evidence is currently insufficient to determine the role of this variant in disease. Therefore, it has been classified as a Variant of Uncertain Significance.